The following is an entry in ClinVar:

ClinVar aggregate classification (germline): Uncertain significance. Review status: criteria provided, multiple submitters, no conflicts (2 of 4 stars). 3 submissions from 3 submitters: Uncertain significance (3). Last evaluated 2025-10-06.

Conditions:
Primary familial hypertrophic cardiomyopathy (HCM). Identifiers: Orphanet 99739, MedGen C0949658, MeSH D024741, MONDO:0024573. Inheritance: Various modes of inheritance.

Allele frequency attached by ClinVar (database versions not stated): ExAC 0.00001; TOPMed 0.00001; gnomAD 0.00002; gnomAD exomes 0.00002.
gnomAD v4.1: 112 of 1,613,990 alleles (0.0069%); highest among the groups gnomAD compares: Non-Finnish European, 0.0092%; no homozygotes.

Submissions (3):

Ambry Genetics
Classification: Uncertain significance. Last evaluated: 2025-10-06. Review status: criteria provided, single submitter. Criteria: Ambry Variant Classification Scheme 2023. Collection method: clinical testing. Allele origin: germline.

Labcorp Genetics (formerly Invitae), Labcorp
Classification: Uncertain significance for Primary familial hypertrophic cardiomyopathy. Last evaluated: 2021-01-03. Review status: criteria provided, single submitter. Criteria: Invitae Variant Classification Sherloc (09022015). Collection method: clinical testing. Allele origin: germline.
Comment: In summary, the available evidence is currently insufficient to determine the role of this variant in disease. Therefore, it has been classified as a Variant of Uncertain Significance. Algorithms developed to predict the effect of missense changes on protein structure and function do not agree on the potential impact of this missense change (SIFT: "Deleterious"; PolyPhen-2: "Benign"; Align-GVGD: "Class C65"). This variant has not been reported in the literature in individuals with ILK-related disease. ClinVar contains an entry for this variant (Variation ID: 228750). This variant is present in population databases (rs750354350, ExAC 0.001%). This sequence change replaces proline with serine at codon 260 of the ILK protein (p.Pro260Ser). The proline residue is highly conserved and there is a moderate physicochemical difference between proline and serine.

Laboratory for Molecular Medicine, Mass General Brigham Personalized Medicine
Classification: Uncertain significance. Last evaluated: 2015-03-16. Review status: criteria provided, single submitter. Criteria: LMM Criteria. Collection method: clinical testing. Allele origin: germline. Observed: 1 variant allele.
Comment: The p.Pro260Ser variant in ILK has not been previously reported in individuals w ith cardiomyopathy, but has been identified in 1/66698 European chromosomes by t he Exome Aggregation Consortium (ExAC). Computat ional prediction tools and conservation analysis suggest that this variant may i mpact the protein, though this information is not predictive enough to determine pathogenicity. In summary, the clinical significance of the p.Pro260Ser variant is uncertain.

NM_004517.4(ILK):c.778C>T (p.Pro260Ser)

Genes: ILK (integrin linked kinase; plus strand), TAF10 (TATA-box binding protein associated factor 10; minus strand). Cytogenetic location: 11p15.4.
Variant type: single nucleotide variant.
Coding change: c.778C>T on transcript NM_004517.4 (MANE Select); coding-DNA position 778, C replaced by T.
Protein change: p.Pro260Ser; replaces proline 260 with serine.
Molecular consequence: missense variant. On other transcripts: 3 prime UTR variant (1).
Genome position (GRCh38, 1-based): chr11:6,609,561, C>T. VCF-style: chr11-6609561-C-T. GRCh37 (hg19) VCF-style: chr11-6630792-C-T.
Other names: c.778C>T, p.Pro260Ser (NM_001014794.3, NM_001014795.3); c.595C>T, p.Pro199Ser (NM_001278441.2); c.376C>T, p.Pro126Ser (NM_001278442.2); c.*1361G>A (NM_006284.4); short protein forms P260S, P126S, P199S.
Identifiers: ClinVar variation 228750 (VCV000228750.13), dbSNP rs750354350, ClinGen allele CA5858183.